The following is an entry in ClinVar:

ClinVar aggregate classification (germline): Uncertain significance (1 of 4 stars; one submission).

Allele frequency attached by ClinVar (database versions not stated): gnomAD exomes below 0.00001; gnomAD 0.00001.

Submission:

Ambry Genetics
Classification: Uncertain significance. Last evaluated: 2022-11-04. Review status: criteria provided, single submitter. Criteria: Ambry Variant Classification Scheme 2023. Collection method: clinical testing. Allele origin: germline.
Comment: The p.A940V variant (also known as c.2819C>T), located in coding exon 23 of the BUB1 gene, results from a C to T substitution at nucleotide position 2819. The alanine at codon 940 is replaced by valine, an amino acid with similar properties. This amino acid position is conserved. In addition, this alteration is predicted to be tolerated by in silico analysis. Since supporting evidence is limited at this time, the clinical significance of this alteration remains unclear.

NM_004336.5(BUB1):c.2819C>T (p.Ala940Val)

Gene: BUB1 (BUB1 mitotic checkpoint serine/threonine kinase; minus strand). Cytogenetic location: 2q13.
Variant type: single nucleotide variant.
Coding change: c.2819C>T on transcript NM_004336.5 (MANE Select); coding-DNA position 2819, C replaced by T.
Protein change: p.Ala940Val; replaces alanine 940 with valine.
Molecular consequence: missense variant.
Genome position (GRCh38, 1-based): chr2:110,641,170, G>A on the plus strand (C>T on the coding strand, the complement: BUB1 is on the minus strand). VCF-style: chr2-110641170-G-A. GRCh37 (hg19) VCF-style: chr2-111398747-G-A.
Other names: c.2759C>T, p.Ala920Val (NM_001278616.2); c.2648C>T, p.Ala883Val (NM_001278617.2); short protein forms A920V, A883V, A940V.
Identifiers: ClinVar variation 2446963 (VCV002446963.2), dbSNP rs1689493982, ClinGen allele CA348089223.
Genomic context (GRCh38, chr2:110,641,170, plus strand): 5'-GTTCCTTTTGGAAAAAGTTTCATATCTATACTCTGACCCAGGTCAATCAGTGCCAAGCCA[G>A]CAGATAAATCATCTTCATCATCCTGTTCCAAAAATCTATATTAAACACAAACAAAGCCAG-3'
Protein context (NP_004327.1, residues 930-950): LEQDDEDDLS[Ala940Val]GLALIDLGQS